The following is an entry in ClinVar:

NM_015378.4(VPS13D):c.10G>A (p.Gly4Ser)

Gene: VPS13D (vacuolar protein sorting 13 homolog D; plus strand). Cytogenetic location: 1p36.22.
Variant type: single nucleotide variant.
Coding change: c.10G>A on transcript NM_015378.4 (MANE Select); coding-DNA position 10, G replaced by A.
Protein change: p.Gly4Ser; replaces glycine 4 with serine.
Molecular consequence: missense variant.
Genome position (GRCh38, 1-based): chr1:12,234,276, G>A. VCF-style: chr1-12234276-G-A. GRCh37 (hg19) VCF-style: chr1-12294333-G-A.
Other names: c.10G>A, p.Gly4Ser (NM_018156.4); short protein forms G4S.
Identifiers: ClinVar variation 2633845 (VCV002633845.2), dbSNP rs762562345, ClinGen allele CA601099.
Genomic context (GRCh38, chr1:12,234,276, plus strand): 5'-AAATAAAGAATGATCCATGATTTCTAAACACCTTTTCCTGAGGATATAGTCATGTTGGAA[G>A]GCCTTGTAGCCTGGGTTCTCAATACCTATTTGGGAAAATATGTCAATAACCTGAACACTG-3'
Protein context (NP_056193.2, residues 1-14): MLE[Gly4Ser]LVAWVLNTYL

ClinVar aggregate classification (germline): Uncertain significance (1 of 4 stars; one submission).

Conditions:
VPS13D-related disorder. Also called: VPS13D-related condition.

Allele frequency attached by ClinVar (database versions not stated): gnomAD exomes below 0.00001; ExAC 0.00001.
gnomAD v4.1: 3 of 1,613,390 alleles (0.00019%); highest among the groups gnomAD compares: Non-Finnish European, 0.00025%; no homozygotes.

Submission:

PreventionGenetics, part of Exact Sciences
Classification: Uncertain significance for VPS13D-related condition. Last evaluated: 2025-04-23. Review status: criteria provided, single submitter. Criteria: ACMG Guidelines, 2015. Collection method: clinical testing. Allele origin: germline.
Comment: The VPS13D c.10G>A variant is predicted to result in the amino acid substitution p.Gly4Ser. To our knowledge, this variant has not been reported in the literature or in a large population database (gnomAD), indicating this variant is rare. At this time, the clinical significance of this variant is uncertain due to the absence of conclusive functional and genetic evidence.